The following is an entry in ClinVar:

ClinVar aggregate classification (germline): Likely benign (1 of 4 stars; one submission).

Allele frequency attached by ClinVar (database versions not stated): ExAC 0.00013; ESP Exome Variant Server 0.00015; gnomAD exomes 0.00008; TOPMed 0.00009; gnomAD 0.00011.

Submission:

CeGaT Center for Human Genetics Tuebingen
Classification: Likely benign. Last evaluated: 2022-03-01. Review status: criteria provided, single submitter. Criteria: CeGaT Center For Human Genetics Tuebingen Variant Classification Criteria Version 2. Collection method: clinical testing. Allele origin: germline. Affected: yes. Observed: 1 variant allele.
Comment: IER5: BP4, BP7

NM_016545.5(IER5):c.39C>T (p.Ile13=)

Gene: IER5 (immediate early response 5; plus strand). Cytogenetic location: 1q25.3.
Variant type: single nucleotide variant.
Coding change: c.39C>T on transcript NM_016545.5 (MANE Select); coding-DNA position 39, C replaced by T.
Protein change: p.Ile13=; no amino-acid change (isoleucine 13 retained).
Molecular consequence: synonymous variant.
Genome position (GRCh38, 1-based): chr1:181,088,941, C>T. VCF-style: chr1-181088941-C-T. GRCh37 (hg19) VCF-style: chr1-181058077-C-T.
Identifiers: ClinVar variation 2639606 (VCV002639606.24), dbSNP rs373429128, ClinGen allele CA1274572.